The following is an entry in ClinVar:

ClinVar aggregate classification (germline): Uncertain significance (1 of 4 stars; one submission).

Conditions:
Developmental and epileptic encephalopathy, 2 (DEE2). Also called: INFANTILE SPASM SYNDROME, X-LINKED 2; CDKL5 deficiency disorder. Identifiers: Orphanet 1934, Orphanet 3451, Orphanet 505652, MedGen C4750718, MONDO:0010396, OMIM 300672.
Angelman syndrome-like. Identifiers: MedGen CN128785.

Submission:

Labcorp Genetics (formerly Invitae), Labcorp
Classification: Uncertain significance for Developmental and epileptic encephalopathy, 2; Angelman syndrome-like. Last evaluated: 2019-05-21. Review status: criteria provided, single submitter. Criteria: Invitae Variant Classification Sherloc (09022015). Collection method: clinical testing. Allele origin: germline.
Comment: In summary, this variant is a novel missense change that is not predicted to affect protein function. There is no indication that it causes disease, but the available evidence is currently insufficient to prove that conclusively. Therefore, it has been classified as a Variant of Uncertain Significance. Algorithms developed to predict the effect of missense changes on protein structure and function output the following: SIFT: "Tolerated"; PolyPhen-2: "Benign"; Align-GVGD: "Class C0". The isoleucine amino acid residue is found in multiple mammalian species, suggesting that this missense change does not adversely affect protein function. These predictions have not been confirmed by published functional studies. This variant is not present in population databases (ExAC no frequency) and has not been reported in the literature in individuals with a CDKL5-related disease. This sequence change replaces methionine with isoleucine at codon 577 of the CDKL5 protein (p.Met577Ile). The methionine residue is highly conserved and there is a small physicochemical difference between methionine and isoleucine.

NM_001323289.2(CDKL5):c.1731G>A (p.Met577Ile)

Gene: CDKL5 (cyclin dependent kinase like 5; plus strand). Cytogenetic location: Xp22.13.
Variant type: single nucleotide variant.
Coding change: c.1731G>A on transcript NM_001323289.2 (MANE Select); coding-DNA position 1731, G replaced by A.
Protein change: p.Met577Ile; replaces methionine 577 with isoleucine.
Molecular consequence: missense variant.
Genome position (GRCh38, 1-based): chrX:18,604,655, G>A. VCF-style: chrX-18604655-G-A. GRCh37 (hg19) VCF-style: chrX-18622775-G-A.
Other names: c.1731G>A, p.Met577Ile (NM_001037343.2, NM_003159.3); short protein forms M577I.
Identifiers: ClinVar variation 464810 (VCV000464810.11), dbSNP rs757573258, ClinGen allele CA412362468.